The following is an entry in ClinVar:

NM_001113491.2(SEPTIN9):c.686C>A (p.Pro229His)

Gene: SEPTIN9 (septin 9; plus strand). Cytogenetic location: 17q25.3.
Variant type: single nucleotide variant.
Coding change: c.686C>A on transcript NM_001113491.2 (MANE Select); coding-DNA position 686, C replaced by A.
Protein change: p.Pro229His; replaces proline 229 with histidine.
Molecular consequence: missense variant.
Genome position (GRCh38, 1-based): chr17:77,402,668, C>A. VCF-style: chr17-77402668-C-A. GRCh37 (hg19) VCF-style: chr17-75398750-C-A.
Other names: c.194C>A, p.Pro65His (NM_001113492.2, NM_001113494.1); c.665C>A, p.Pro222His (NM_001113493.2); c.629C>A, p.Pro210His (NM_001293695.2); c.632C>A, p.Pro211His (NM_006640.5); short protein forms P211H, P222H, P229H, P65H, P210H.
Identifiers: ClinVar variation 2985234 (VCV002985234.3), dbSNP rs1350956963, ClinGen allele CA401206673.

ClinVar aggregate classification (germline): Uncertain significance (1 of 4 stars; one submission).

Allele frequency attached by ClinVar (database versions not stated): gnomAD 0.00001.
gnomAD v4.1: 2 of 1,607,352 alleles (0.00012%); highest among the groups gnomAD compares: Admixed American, 0.0034%; no homozygotes.

Submission:

Labcorp Genetics (formerly Invitae), Labcorp
Classification: Uncertain significance. Last evaluated: 2023-05-29. Review status: criteria provided, single submitter. Criteria: Invitae Variant Classification Sherloc (09022015). Collection method: clinical testing. Allele origin: germline.
Comment: In summary, the available evidence is currently insufficient to determine the role of this variant in disease. Therefore, it has been classified as a Variant of Uncertain Significance. Advanced modeling of protein sequence and biophysical properties (such as structural, functional, and spatial information, amino acid conservation, physicochemical variation, residue mobility, and thermodynamic stability) performed at Invitae indicates that this missense variant is not expected to disrupt SEPT9 protein function. This variant has not been reported in the literature in individuals affected with SEPT9-related conditions. This variant is not present in population databases (gnomAD no frequency). This sequence change replaces proline, which is neutral and non-polar, with histidine, which is basic and polar, at codon 211 of the SEPT9 protein (p.Pro211His).